The following is an entry in ClinVar:

ClinVar aggregate classification (germline): Pathogenic. Review status: criteria provided, multiple submitters, no conflicts (2 of 4 stars). 2 submissions from 2 submitters: Pathogenic (2). Last evaluated 2023-02-08.

Conditions:
Familial adenomatous polyposis 4 (FAP4). Also called: MSH3-related attenuated familial adenomatous polyposis. Identifiers: Orphanet 480536, MedGen C4310719, MONDO:0044300, OMIM 617100.

Submissions (2):

Myriad Genetics, Inc.
Classification: Pathogenic for Familial adenomatous polyposis 4. Last evaluated: 2023-02-08. Review status: criteria provided, single submitter. Criteria: Myriad Autosomal Dominant, Autosomal Recessive and X-Linked Classification Criteria (2023). Collection method: clinical testing. Allele origin: unknown.
Comment: This variant is considered pathogenic. This variant creates a frameshift predicted to result in premature protein truncation.

Labcorp Genetics (formerly Invitae), Labcorp
Classification: Pathogenic. Last evaluated: 2022-07-30. Review status: criteria provided, single submitter. Criteria: Invitae Variant Classification Sherloc (09022015). Collection method: clinical testing. Allele origin: germline.
Comment: For these reasons, this variant has been classified as Pathogenic. This variant has not been reported in the literature in individuals affected with MSH3-related conditions. This variant is not present in population databases (gnomAD no frequency). This sequence change creates a premature translational stop signal (p.Tyr629Ilefs*12) in the MSH3 gene. It is expected to result in an absent or disrupted protein product. Loss-of-function variants in MSH3 are known to be pathogenic (PMID: 27476653).

Literature cited by the submitters: PubMed 27476653 (cited by Labcorp Genetics (formerly Invitae), Labcorp).

NM_002439.5(MSH3):c.1885del (p.Tyr629fs)

Gene: MSH3 (mutS homolog 3; plus strand). Cytogenetic location: 5q14.1.
Variant type: Deletion.
Coding change: c.1885del on transcript NM_002439.5 (MANE Select); coding-DNA position 1885, one base deleted (T; older notation c.1885delT).
Protein change: p.Tyr629fs; shifts the reading frame from tyrosine 629.
Molecular consequence: frameshift variant.
Genome position (GRCh38, 1-based): chr5:80,761,667, T deleted; the last of 3 consecutive T bases (chr5:80,761,665-80,761,667); deleting any one gives the same sequence. VCF-style (leftmost placement, unchanged base first): chr5-80761664-AT-A. GRCh37 (hg19) VCF-style: chr5-80057483-AT-A.
Other names: short protein forms Y629fs.
Identifiers: ClinVar variation 2020500 (VCV002020500.5), dbSNP rs2546770108, ClinGen allele CA2580073545.